The following is an entry in ClinVar:

NM_001080477.4(TENM3):c.2279G>A (p.Trp760Ter)

Gene: TENM3 (teneurin transmembrane protein 3; plus strand). Cytogenetic location: 4q35.1.
Variant type: single nucleotide variant.
Coding change: c.2279G>A on transcript NM_001080477.4 (MANE Select); coding-DNA position 2279, G replaced by A.
Protein change: p.Trp760Ter; replaces tryptophan 760 with a stop codon.
Molecular consequence: nonsense.
Genome position (GRCh38, 1-based): chr4:182,714,144, G>A. VCF-style: chr4-182714144-G-A. GRCh37 (hg19) VCF-style: chr4-183635297-G-A.
Other names: short protein forms W760*.
Identifiers: ClinVar variation 1699299 (VCV001699299.3), dbSNP rs2152678398, ClinGen allele CA358832043.

ClinVar aggregate classification (germline): Pathogenic (1 of 4 stars; one submission).

Conditions:
Microphthalmia, isolated, with coloboma 9 (MCOPCB9). Identifiers: Orphanet 98938, MedGen C3554592, MONDO:0014059, OMIM 615145.

Submission:

Victorian Clinical Genetics Services, Murdoch Childrens Research Institute
Classification: Pathogenic for Microphthalmia, isolated, with coloboma 9. Last evaluated: 2022-06-24. Review status: criteria provided, single submitter. Criteria: ACMG Guidelines, 2015. Collection method: clinical testing. Allele origin: germline. Inheritance: Autosomal recessive inheritance. Affected: yes.
Comment: Based on the classification scheme VCGS_Germline_v1.3.4, this variant is classified as Pathogenic. Following criteria are met: 0102 - Loss of function is a known mechanism of disease in this gene and is associated with microphthalmia, syndromic 15 (MIM#615145). (I) 0106 - This gene is associated with autosomal recessive disease. (I) 0201 - Variant is predicted to cause nonsense-mediated decay (NMD) and loss of protein (premature termination codon is located at least 54 nucleotides upstream of the final exon-exon junction). (SP) 0251 - This variant is heterozygous. (I) 0301 - Variant is absent from gnomAD (both v2 and v3). (SP) 0702 - Other NMD-predicted variants comparable to the one identified in this case have strong previous evidence for pathogenicity. Four NMD-predicted frameshift variants and one canonical splice site variant with an NMD-predicted outcome shown by RT-PCR have been observed in a homozygous state in 5 families (PMIDs: 33456446, 27103084, 22766609, 30513139, 32799327). (SP) 0807 - This variant has no previous evidence of pathogenicity. (I) 0905 - No published segregation evidence has been identified for this variant. (I) 1007 - No published functional evidence has been identified for this variant. (I) 1208 - Inheritance information for this variant is not currently available in this individual. (I) Legend: (SP) - Supporting pathogenic, (I) - Information, (SB) - Supporting benign

Literature cited by the submitters: PubMed 22766609; PubMed 27103084; PubMed 30513139; PubMed 32799327; PubMed 33456446.